The following is an entry in ClinVar:

NM_001042492.3(NF1):c.3118A>G (p.Lys1040Glu)

Gene: NF1 (neurofibromin 1; plus strand). Cytogenetic location: 17q11.2.
Variant type: single nucleotide variant.
Coding change: c.3118A>G on transcript NM_001042492.3 (MANE Select); coding-DNA position 3118, A replaced by G.
Protein change: p.Lys1040Glu; replaces lysine 1040 with glutamic acid.
Molecular consequence: missense variant.
Genome position (GRCh38, 1-based): chr17:31,230,846, A>G. VCF-style: chr17-31230846-A-G. GRCh37 (hg19) VCF-style: chr17-29557864-A-G.
Other names: c.3118A>G, p.Lys1040Glu (NM_000267.4); short protein forms K1040E.
Identifiers: ClinVar variation 439996 (VCV000439996.18), dbSNP rs1555614619, ClinGen allele CA398987854.

ClinVar aggregate classification (germline): Conflicting classifications of pathogenicity. Review status: criteria provided, conflicting classifications (1 of 4 stars). 7 submissions from 7 submitters: Pathogenic (1); Likely pathogenic (2); Uncertain significance (4). Last evaluated 2026-03-05.

Conditions:
Neurofibromatosis, type 1 (NF1). Also called: Neurofibromatosis, type I; Peripheral type neurofibromatosis; VON RECKLINGHAUSEN DISEASE; NEUROFIBROMATOSIS, TYPE I, SOMATIC. Identifiers: Orphanet 636, MedGen C0027831, MONDO:0018975, OMIM 162200. Disease mechanism: loss of function.

Allele frequency attached by ClinVar (database versions not stated): gnomAD exomes below 0.00001.
gnomAD v4.1: 1 of 1,599,398 alleles (0.000063%); highest among the groups gnomAD compares: Non-Finnish European, 0.000086%; no homozygotes.

Submissions (7):

Mendelics
Classification: Uncertain significance for Neurofibromatosis, type 1. Last evaluated: 2026-03-05. Review status: criteria provided, single submitter. Criteria: ACMG Guidelines, 2015. Collection method: clinical testing. Allele origin: unknown.
Comment: The available evidence is insufficient to conclusively determine the role of this variant. Therefore, it is classified as a Variant of Uncertain Significance.

Institute for Genomic Medicine (IGM) Clinical Laboratory, Nationwide Children's Hospital
Classification: Likely pathogenic for Neurofibromatosis, type 1. Last evaluated: 2025-11-14. Review status: criteria provided, single submitter. Criteria: ACMG Guidelines, 2015. Collection method: clinical testing. Allele origin: germline.
Comment: This variant has been reported to occur de novo in an affected individual in the literature with parental identity confirmed (ACMG/AMP: PS2; PMID:39001468). This variant has been reported at an elevated frequency in affected individuals/in multiple affected individuals in the literature (ACMG/AMP: PS4_Moderate; PMIDs:33128510, 39001468). This variant is absent from or present at an exceedingly low frequency in gnomAD, a large-scale control population database (ACMG/AMP: PM2). This variant occurs in a gene with a low rate of benign missense variation, in which missense alterations are a common mechanism of disease (ACMG/AMP: PP2).

Labcorp Genetics (formerly Invitae), Labcorp
Classification: Pathogenic for Neurofibromatosis, type 1. Last evaluated: 2025-09-02. Review status: criteria provided, single submitter. Criteria: Invitae Variant Classification Sherloc (09022015). Collection method: clinical testing. Allele origin: germline.
Comment: This sequence change replaces lysine, which is basic and polar, with glutamic acid, which is acidic and polar, at codon 1040 of the NF1 protein (p.Lys1040Glu). This variant is not present in population databases (gnomAD no frequency). This missense change has been observed in individual(s) with clinical features of neurofibromatosis type 1 and/or NF1-Noonan syndrome (PMID: 39001468; internal data). In at least one individual the variant was observed to be de novo. Invitae Evidence Modeling of clinical and family history, age, sex, and reported ancestry of multiple individuals with this NF1 variant has been performed. This variant is expected to be pathogenic with a positive predictive value of at least 99%. This is a validated machine learning model that incorporates the clinical features of 1,785,918 individuals referred to our laboratory for NF1 testing. ClinVar contains an entry for this variant (Variation ID: 439996). Invitae Evidence Modeling of protein sequence and biophysical properties (such as structural, functional, and spatial information, amino acid conservation, physicochemical variation, residue mobility, and thermodynamic stability) indicates that this missense variant is expected to disrupt NF1 protein function with a positive predictive value of 95%. For these reasons, this variant has been classified as Pathogenic.

GeneDx
Classification: Likely pathogenic. Last evaluated: 2025-08-12. Review status: criteria provided, single submitter. Criteria: GeneDx Variant Classification Process June 2021. Collection method: clinical testing. Allele origin: germline. Affected: yes.
Comment: Identified in patients with NF1-related features referred for genetic testing at GeneDx and in published literature (PMID: 33128510, 39001468); Not observed at significant frequency in large population cohorts (gnomAD); In silico analysis supports that this missense variant has a deleterious effect on protein structure/function; This variant is associated with the following publications: (PMID: 23656349, 33128510, 39001468, 25486365, 2121369, Bahsi2020[article])

Genome-Nilou Lab
Classification: Uncertain significance for Neurofibromatosis, type 1. Last evaluated: 2022-03-15. Review status: criteria provided, single submitter. Criteria: ACMG Guidelines, 2015. Collection method: clinical testing. Allele origin: germline. Affected: no.

ARUP Laboratories, Molecular Genetics and Genomics, ARUP Laboratories
Classification: Uncertain significance. Last evaluated: 2017-03-28. Review status: criteria provided, single submitter. Criteria: ARUP Molecular Germline Variant Investigation Process. Collection method: clinical testing. Allele origin: germline.

Juno Genomics, Hangzhou Juno Genomics, Inc
Classification: Uncertain significance for Neurofibromatosis, type 1. Review status: criteria provided, single submitter. Criteria: ACMG Guidelines, 2015. Collection method: clinical testing. Allele origin: germline. Affected: yes.
Comment: Absent from controls (or at extremely low frequency if recessive) in Genome Aggregation Database, Exome Sequencing Project, 1000 Genomes Project, or Exome Aggregation Consortium.;Missense variant in a gene that has a low rate of benign missense variation and where missense variants are a common mechanism of disease.;The prevalence of the variant in affected individuals is significantly increased compared to the prevalence in controls.;Patient's phenotype or family history is highly specific for a disease with a single genetic etiology.;De novo (both maternity and paternity confirmed) in a patient with the disease and no family history.

Literature cited by the submitters: PubMed 39001468 (cited by Institute for Genomic Medicine (IGM) Clinical Laboratory, Nationwide Children's Hospital and Labcorp Genetics (formerly Invitae), Labcorp); PubMed 33128510 (cited by Institute for Genomic Medicine (IGM) Clinical Laboratory, Nationwide Children's Hospital).